The following is an entry in ClinVar:

NM_001271938.2(MEGF8):c.7541G>A (p.Arg2514His)

Gene: MEGF8 (multiple EGF like domains 8; plus strand). Cytogenetic location: 19q13.2.
Variant type: single nucleotide variant.
Coding change: c.7541G>A on transcript NM_001271938.2 (MANE Select); coding-DNA position 7541, G replaced by A.
Protein change: p.Arg2514His; replaces arginine 2514 with histidine.
Molecular consequence: missense variant.
Genome position (GRCh38, 1-based): chr19:42,375,778, G>A. VCF-style: chr19-42375778-G-A. GRCh37 (hg19) VCF-style: chr19-42879930-G-A.
Other names: c.7340G>A, p.Arg2447His (NM_001410.3); short protein forms R2514H, R2447H.
Identifiers: ClinVar variation 2308105 (VCV002308105.5), dbSNP rs369692848, ClinGen allele CA9476198.

ClinVar aggregate classification (germline): Uncertain significance. Review status: criteria provided, multiple submitters, no conflicts (2 of 4 stars). 2 submissions from 2 submitters: Uncertain significance (2). Last evaluated 2023-04-09.

Conditions:
MEGF8-related Carpenter syndrome. Also called: Carpenter syndrome 2. Identifiers: Orphanet 65759, MedGen C3554247, MONDO:0013998, OMIM 614976.
Inborn genetic diseases. Identifiers: MedGen C0950123, MeSH D030342.

Allele frequency attached by ClinVar (database versions not stated): ESP Exome Variant Server 0.00008; gnomAD 0.00008; 1000 Genomes Project 30x 0.00031; 1000 Genomes Project 0.00040.
gnomAD v4.1: 55 of 1,612,906 alleles (0.0034%); highest among the groups gnomAD compares: African/African-American, 0.025%; no homozygotes.

Submissions (2):

Labcorp Genetics (formerly Invitae), Labcorp
Classification: Uncertain significance for MEGF8-related Carpenter syndrome. Last evaluated: 2023-04-09. Review status: criteria provided, single submitter. Criteria: Invitae Variant Classification Sherloc (09022015). Collection method: clinical testing. Allele origin: germline.
Comment: This sequence change replaces arginine, which is basic and polar, with histidine, which is basic and polar, at codon 2447 of the MEGF8 protein (p.Arg2447His). ClinVar contains an entry for this variant (Variation ID: 2308105). In summary, the available evidence is currently insufficient to determine the role of this variant in disease. Therefore, it has been classified as a Variant of Uncertain Significance. An algorithm developed to predict the effect of missense changes on protein structure and function (PolyPhen-2) suggests that this variant is likely to be disruptive. This variant has not been reported in the literature in individuals affected with MEGF8-related conditions. This variant is present in population databases (rs369692848, gnomAD 0.03%).

Ambry Genetics
Classification: Uncertain significance for Inborn genetic diseases. Last evaluated: 2022-08-17. Review status: criteria provided, single submitter. Criteria: Ambry Variant Classification Scheme 2023. Collection method: clinical testing. Allele origin: germline.